The following is an entry in ClinVar:

ClinVar aggregate classification (germline): Uncertain significance (1 of 4 stars; one submission).

Conditions:
INF2-related disorder. Also called: INF2-related condition.

Submission:

PreventionGenetics, part of Exact Sciences
Classification: Uncertain significance for INF2-related condition. Last evaluated: 2026-03-16. Review status: criteria provided, single submitter. Criteria: ACMG Guidelines, 2015. Collection method: clinical testing. Allele origin: germline.
Comment: The INF2 c.2320A>G variant is predicted to result in the amino acid substitution p.Thr774Ala. To our knowledge, this variant has not been reported in the literature or in a large population database (gnomAD), indicating this variant is rare. At this time, the clinical significance of this variant is uncertain due to the absence of conclusive functional and genetic evidence.

NM_022489.4(INF2):c.2320A>G (p.Thr774Ala)

Gene: INF2 (inverted formin 2; plus strand). Cytogenetic location: 14q32.33.
Variant type: single nucleotide variant.
Coding change: c.2320A>G on transcript NM_022489.4 (MANE Select); coding-DNA position 2320, A replaced by G.
Protein change: p.Thr774Ala; replaces threonine 774 with alanine.
Molecular consequence: missense variant. On other transcripts: non-coding transcript variant (1).
Genome position (GRCh38, 1-based): chr14:104,711,088, A>G. VCF-style: chr14-104711088-A-G. GRCh37 (hg19) VCF-style: chr14-105177425-A-G.
Other names: c.2320A>G, p.Thr774Ala (NM_001031714.4, NM_001426862.1, NM_001426863.1 and 2 more transcripts); short protein forms T774A.
Identifiers: ClinVar variation 4996196 (VCV004996196.1).